The following is an entry in ClinVar:

ClinVar aggregate classification (germline): Likely pathogenic. Review status: criteria provided, multiple submitters, no conflicts (2 of 4 stars). 2 submissions from 2 submitters: Likely pathogenic (2). Last evaluated 2023-01-30.

Conditions:
Merosin deficient congenital muscular dystrophy (MDC1A). Also called: Congenital merosin-deficient muscular dystrophy 1A; Congenital Muscular Dystrophy Type 1A (MDC1A). Identifiers: Orphanet 258, MedGen C1263858, MONDO:0011925, OMIM 607855.
LAMA2-related muscular dystrophy (LAMA2-RD). Also called: Laminin alpha 2-related dystrophy. Identifiers: MedGen C5679788, MONDO:0100228.

Submissions (2):

Baylor Genetics
Classification: Likely pathogenic for Merosin deficient congenital muscular dystrophy. Last evaluated: 2023-01-30. Review status: criteria provided, single submitter. Criteria: ACMG Guidelines, 2015. Collection method: clinical testing. Allele origin: unknown.

Labcorp Genetics (formerly Invitae), Labcorp
Classification: Likely pathogenic for LAMA2-related muscular dystrophy. Last evaluated: 2020-11-13. Review status: criteria provided, single submitter. Criteria: Invitae Variant Classification Sherloc (09022015). Collection method: clinical testing. Allele origin: germline.
Comment: In summary, the currently available evidence indicates that the variant is pathogenic, but additional data are needed to prove that conclusively. Therefore, this variant has been classified as Likely Pathogenic. Algorithms developed to predict the effect of sequence changes on RNA splicing suggest that this variant may disrupt the consensus splice site, but this prediction has not been confirmed by published transcriptional studies. This variant has not been reported in the literature in individuals with LAMA2-related conditions. This variant is not present in population databases (ExAC no frequency). This sequence change affects an acceptor splice site in intron 24 of the LAMA2 gene. It is expected to disrupt RNA splicing. Variants that disrupt the donor or acceptor splice site typically lead to a loss of protein function (PMID: 16199547), and loss-of-function variants in LAMA2 are known to be pathogenic (PMID: 18700894).

Literature cited by the submitters: PubMed 16199547 (cited by Labcorp Genetics (formerly Invitae), Labcorp); PubMed 18700894 (cited by Labcorp Genetics (formerly Invitae), Labcorp).

NM_000426.4(LAMA2):c.3556-1G>C

Gene: LAMA2 (laminin subunit alpha 2; plus strand). Cytogenetic location: 6q22.33.
Variant type: single nucleotide variant.
Coding change: c.3556-1G>C on transcript NM_000426.4 (MANE Select); the canonical splice acceptor site of the intron before coding-DNA position 3556, G replaced by C.
Molecular consequence: splice acceptor variant.
Genome position (GRCh38, 1-based): chr6:129,315,475, G>C. VCF-style: chr6-129315475-G-C. GRCh37 (hg19) VCF-style: chr6-129636620-G-C.
Other names: c.3556-1G>C (NM_001079823.2).
Identifiers: ClinVar variation 1464797 (VCV001464797.9), dbSNP rs2114501078, ClinGen allele CA365612578.